The following is an entry in ClinVar:

NM_024665.7(TBL1XR1):c.355A>G (p.Ser119Gly)

Gene: TBL1XR1 (TBL1X/Y related 1; minus strand). Cytogenetic location: 3q26.32.
Variant type: single nucleotide variant.
Coding change: c.355A>G on transcript NM_024665.7 (MANE Select); coding-DNA position 355, A replaced by G.
Protein change: p.Ser119Gly; replaces serine 119 with glycine.
Molecular consequence: missense variant.
Genome position (GRCh38, 1-based): chr3:177,051,576, T>C on the plus strand (A>G on the coding strand, the complement: TBL1XR1 is on the minus strand). VCF-style: chr3-177051576-T-C. GRCh37 (hg19) VCF-style: chr3-176769364-T-C.
Other names: c.355A>G, p.Ser119Gly (NM_001321193.3, NM_001321194.3, NM_001374327.1 and 2 more transcripts); c.94A>G, p.Ser32Gly (NM_001321195.3, NM_001374330.1); short protein forms S119G, S32G.
Identifiers: ClinVar variation 2200612 (VCV002200612.4), dbSNP rs2473732906, ClinGen allele CA355553192.

ClinVar aggregate classification (germline): Uncertain significance (1 of 4 stars; one submission).

Conditions:
Pierpont syndrome (PRPTS). Identifiers: Orphanet 487825, MedGen C1865644, MONDO:0011213, OMIM 602342.

Submission:

Labcorp Genetics (formerly Invitae), Labcorp
Classification: Uncertain significance for Pierpont syndrome. Last evaluated: 2023-10-13. Review status: criteria provided, single submitter. Criteria: Invitae Variant Classification Sherloc (09022015). Collection method: clinical testing. Allele origin: germline.
Comment: This sequence change replaces serine, which is neutral and polar, with glycine, which is neutral and non-polar, at codon 119 of the TBL1XR1 protein (p.Ser119Gly). This variant is not present in population databases (gnomAD no frequency). This variant has not been reported in the literature in individuals affected with TBL1XR1-related conditions. ClinVar contains an entry for this variant (Variation ID: 2200612). Advanced modeling of protein sequence and biophysical properties (such as structural, functional, and spatial information, amino acid conservation, physicochemical variation, residue mobility, and thermodynamic stability) performed at Invitae indicates that this missense variant is not expected to disrupt TBL1XR1 protein function. In summary, the available evidence is currently insufficient to determine the role of this variant in disease. Therefore, it has been classified as a Variant of Uncertain Significance.